The following is an entry in ClinVar:

ClinVar aggregate classification (germline): Uncertain significance (1 of 4 stars; one submission).

Conditions:
Inborn genetic diseases. Identifiers: MedGen C0950123, MeSH D030342.

Submission:

Ambry Genetics
Classification: Uncertain significance for Inborn genetic diseases. Last evaluated: 2025-05-02. Review status: criteria provided, single submitter. Criteria: Ambry Variant Classification Scheme 2023. Collection method: clinical testing. Allele origin: germline.
Comment: The p.L7P variant (also known as c.20T>C), located in coding exon 1 of the SAMD9L gene, results from a T to C substitution at nucleotide position 20. The leucine at codon 7 is replaced by proline, an amino acid with similar properties. This amino acid position is conserved. In addition, this alteration is predicted to be tolerated by in silico analysis. Based on the available evidence, the clinical significance of this variant remains unclear.

NM_152703.5(SAMD9L):c.20T>C (p.Leu7Pro)

Gene: SAMD9L (sterile alpha motif domain containing 9 like; minus strand). Cytogenetic location: 7q21.2.
Variant type: single nucleotide variant.
Coding change: c.20T>C on transcript NM_152703.5 (MANE Select); coding-DNA position 20, T replaced by C.
Protein change: p.Leu7Pro; replaces leucine 7 with proline.
Molecular consequence: missense variant.
Genome position (GRCh38, 1-based): chr7:93,135,952, A>G on the plus strand (T>C on the coding strand, the complement: SAMD9L is on the minus strand). VCF-style: chr7-93135952-A-G. GRCh37 (hg19) VCF-style: chr7-92765265-A-G.
Other names: c.20T>C, p.Leu7Pro (NM_001303496.3, NM_001303497.3, NM_001303498.3 and 5 more transcripts); short protein forms L7P.
Identifiers: ClinVar variation 3949890 (VCV003949890.1).